The following is an entry in ClinVar:

ClinVar aggregate classification (germline): Uncertain significance (1 of 4 stars; one submission).

Allele frequency attached by ClinVar (database versions not stated): gnomAD exomes 0.00002; ExAC 0.00004; 1000 Genomes Project 30x 0.00016; 1000 Genomes Project 0.00020.
gnomAD v4.1: 36 of 1,610,742 alleles (0.0022%); highest among the groups gnomAD compares: East Asian, 0.0067%; no homozygotes.

Submission:

Genetic Services Laboratory, University of Chicago
Classification: Uncertain significance. Last evaluated: 2020-08-26. Review status: criteria provided, single submitter. Criteria: ACMG Guidelines, 2015. Collection method: clinical testing. Allele origin: germline. Affected: no.
Comment: DNA sequence analysis of the CDH15 gene demonstrated a sequence change, c.280G>A, in exon 3 that results in an amino acid change, p.Val94Ile. This sequence change does not appear to have been previously described in patients with CDH15-related disorders and has been described in the gnomAD database in six individuals (dbSNP rs369126978). The p.Val94Ile change affects a highly conserved amino acid residue located in a domain of the CDH15 protein that is known to be functional. The p.Val94Ile substitution appears to be benign using several in-silico pathogenicity prediction tools (SIFT, PolyPhen2, Align GVGD, REVEL). Due to these contrasting evidences and the lack of functional studies, the clinical significance of the p.Val94Ile change remains unknown at this time.

NM_004933.3(CDH15):c.280G>A (p.Val94Ile)

Gene: CDH15 (cadherin 15; plus strand). Cytogenetic location: 16q24.3.
Variant type: single nucleotide variant.
Coding change: c.280G>A on transcript NM_004933.3 (MANE Select); coding-DNA position 280, G replaced by A.
Protein change: p.Val94Ile; replaces valine 94 with isoleucine.
Molecular consequence: missense variant.
Genome position (GRCh38, 1-based): chr16:89,180,278, G>A. VCF-style: chr16-89180278-G-A. GRCh37 (hg19) VCF-style: chr16-89246686-G-A.
Other names: short protein forms V94I.
Identifiers: ClinVar variation 1337482 (VCV001337482.4), dbSNP rs369126978, ClinGen allele CA8238763.
Genomic context (GRCh38, chr16:89,180,278, plus strand): 5'-CAGCTGGGCAGCGTCATCTACAGCATCCAGGGACCCGGCGTGGATGAGGAGCCCCGGGGC[G>A]TCTTCTCTATCGACAAGTTCACAGGGAAGGTCTTCCTCAATGCCATGCTGGACCGCGAGA-3'
Protein context (NP_004924.1, residues 84-104): GPGVDEEPRG[Val94Ile]FSIDKFTGKV